The following is an entry in ClinVar:

NM_000051.4(ATM):c.6068G>T (p.Gly2023Val)

Genes: ATM (ATM serine/threonine kinase; plus strand), C11orf65 (chromosome 11 open reading frame 65; minus strand). Cytogenetic location: 11q22.3.
Variant type: single nucleotide variant.
Coding change: c.6068G>T on transcript NM_000051.4 (MANE Select); coding-DNA position 6068, G replaced by T.
Protein change: p.Gly2023Val; replaces glycine 2023 with valine.
Molecular consequence: missense variant. On other transcripts: intron variant (2).
Genome position (GRCh38, 1-based): chr11:108,315,884, G>T. VCF-style: chr11-108315884-G-T. GRCh37 (hg19) VCF-style: chr11-108186611-G-T.
Other names: c.6068G>T, p.Gly2023Val (NM_001351834.2); c.641-6813C>A (NM_001330368.2); c.*39-6813C>A (NM_001351110.2); short protein forms G2023V.
Identifiers: ClinVar variation 3801988 (VCV003801988.1).

ClinVar aggregate classification (germline): Uncertain significance (1 of 4 stars; one submission).

Conditions:
Hereditary cancer-predisposing syndrome. Also called: Neoplastic Syndromes, Hereditary; Tumor predisposition; Hereditary Cancer Syndrome; Hereditary neoplastic syndrome. Identifiers: Orphanet 140162, MedGen C0027672, MeSH D009386, MONDO:0015356.

gnomAD v4.1: 1 of 1,612,782 alleles (0.000062%); highest among the groups gnomAD compares: South Asian, 0.0011%; no homozygotes.

Submission:

Ambry Genetics
Classification: Uncertain significance for Hereditary cancer-predisposing syndrome. Last evaluated: 2025-02-04. Review status: criteria provided, single submitter. Criteria: Ambry Variant Classification Scheme 2023. Collection method: clinical testing. Allele origin: germline.
Comment: The p.G2023V variant (also known as c.6068G>T), located in coding exon 40 of the ATM gene, results from a G to T substitution at nucleotide position 6068. The glycine at codon 2023 is replaced by valine, an amino acid with dissimilar properties. This amino acid position is highly conserved in available vertebrate species. In addition, the in silico prediction for this alteration is inconclusive. Based on the available evidence, the clinical significance of this variant remains unclear.